The following is an entry in ClinVar:

ClinVar aggregate classification (germline): Benign. Review status: criteria provided, multiple submitters, no conflicts (2 of 4 stars). 6 submissions from 6 submitters: Benign (5). 1 of the submissions does not count toward it. Last evaluated 2026-02-03.

Conditions:
Leukodystrophy, hypomyelinating, 8, with or without oligodontia and/or hypogonadotropic hypogonadism. Also called: Hypomyelinating leukodystrophy 8 with or without oligodontia and-or hypogonadotropic hypogonadism; Endosteal sclerosis-cerebellar hypoplasia syndrome; LEUKODYSTROPHY, HYPOMYELINATING, 8, WITH HYPODONTIA AND HYPOGONADOTROPIC HYPOGONADISM. Identifiers: Orphanet 85186, Orphanet 88637, MedGen C3280644, MONDO:0013722, OMIM 614381.

Allele frequency attached by ClinVar (database versions not stated): 1000 Genomes Project 0.02656; 1000 Genomes Project 30x 0.02780; gnomAD 0.04610 and 0.04732; gnomAD exomes 0.04649 and 0.06011; ExAC 0.04700; TOPMed 0.04850; ESP Exome Variant Server 0.05159.
gnomAD v4.1: 94,570 of 1,610,850 alleles (5.9%); highest among the groups gnomAD compares: Non-Finnish European, 6.9%; 3,180 homozygotes.

Submissions (6):

Labcorp Genetics (formerly Invitae), Labcorp
Classification: Benign. Last evaluated: 2026-02-03. Review status: criteria provided, single submitter. Criteria: Invitae Variant Classification Sherloc (09022015). Collection method: clinical testing. Allele origin: germline.

Mayo Clinic Laboratories, Mayo Clinic
Classification: Benign. Last evaluated: 2023-02-03. Review status: criteria provided, single submitter. Criteria: ACMG Guidelines, 2015. Collection method: clinical testing. Allele origin: germline. Observed: 50 variant alleles.
Comment: BS1, BS2

GeneDx
Classification: Benign. Last evaluated: 2018-07-30. Review status: criteria provided, single submitter. Criteria: GeneDx Variant Classification Process June 2021. Collection method: clinical testing. Allele origin: germline. Affected: yes.

Illumina Laboratory Services, Illumina
Classification: Benign for Leukodystrophy, hypomyelinating, 8, with or without oligodontia and/or hypogonadotropic hypogonadism. Last evaluated: 2018-01-13. Review status: criteria provided, single submitter. Criteria: ICSL Variant Classification Criteria 13 December 2019. Collection method: clinical testing. Allele origin: germline.
Comment: This variant was observed in the ICSL laboratory as part of a predisposition screen in an ostensibly healthy population. It had not been previously curated by ICSL or reported in the Human Gene Mutation Database (HGMD: prior to June 1st, 2018), and was therefore a candidate for classification through an automated scoring system. Utilizing variant allele frequency, disease prevalence and penetrance estimates, and inheritance mode, an automated score was calculated to assess if this variant is too frequent to cause the disease. Based on the score and internal cut-off values, a variant classified as benign is not then subjected to further curation. The score for this variant resulted in a classification of benign for this disease.

Breakthrough Genomics
Classification: Benign. Review status: criteria provided, single submitter. Criteria: ACMG Guidelines, 2015. Collection method: not provided. Allele origin: germline. Inheritance: Autosomal recessive inheritance. Affected: yes.

Genetic Services Laboratory, University of Chicago
Classification: Likely benign for AllHighlyPenetrant. Review status: no assertion criteria provided. Collection method: clinical testing. Allele origin: germline. Inheritance: Autosomal recessive inheritance. Not counted in ClinVar's aggregate classification.
Comment: Likely benign based on allele frequency in 1000 Genomes Project or ESP global frequency and its presence in a patient with a rare or unrelated disease phenotype. NOT Sanger confirmed.

Literature cited by the submitters: PubMed 34198905 (cited by Mayo Clinic Laboratories, Mayo Clinic).

NM_018082.6(POLR3B):c.2218A>G (p.Thr740Ala)

Gene: POLR3B (RNA polymerase III subunit B; plus strand). Cytogenetic location: 12q23.3.
Variant type: single nucleotide variant.
Coding change: c.2218A>G on transcript NM_018082.6 (MANE Select); coding-DNA position 2218, A replaced by G.
Protein change: p.Thr740Ala; replaces threonine 740 with alanine.
Molecular consequence: missense variant.
Genome position (GRCh38, 1-based): chr12:106,454,636, A>G. VCF-style: chr12-106454636-A-G. GRCh37 (hg19) VCF-style: chr12-106848414-A-G.
Other names: c.2044A>G, p.Thr682Ala (NM_001160708.2); short protein forms T740A, T682A.
Identifiers: ClinVar variation 130002 (VCV000130002.20), dbSNP rs17038460, ClinGen allele CA154736.